The following is an entry in ClinVar:

NM_000051.4(ATM):c.4865A>G (p.Glu1622Gly)

Gene: ATM (ATM serine/threonine kinase; plus strand). Cytogenetic location: 11q22.3.
Variant type: single nucleotide variant.
Coding change: c.4865A>G on transcript NM_000051.4 (MANE Select); coding-DNA position 4865, A replaced by G.
Protein change: p.Glu1622Gly; replaces glutamic acid 1622 with glycine.
Molecular consequence: missense variant.
Genome position (GRCh38, 1-based): chr11:108,295,015, A>G. VCF-style: chr11-108295015-A-G. GRCh37 (hg19) VCF-style: chr11-108165742-A-G.
Other names: c.4865A>G, p.Glu1622Gly (NM_001351834.2); short protein forms E1622G.
Identifiers: ClinVar variation 453541 (VCV000453541.14), dbSNP rs1555101872, ClinGen allele CA382537085.

ClinVar aggregate classification (germline): Uncertain significance. Review status: criteria provided, multiple submitters, no conflicts (2 of 4 stars). 4 submissions from 4 submitters: Uncertain significance (4). Last evaluated 2026-02-03.

Conditions:
Hereditary cancer-predisposing syndrome. Also called: Tumor predisposition; Hereditary Cancer Syndrome; Neoplastic Syndromes, Hereditary; Hereditary neoplastic syndrome. Identifiers: Orphanet 140162, MedGen C0027672, MeSH D009386, MONDO:0015356.
Ataxia-telangiectasia syndrome (AT). Also called: Cerebello-oculocutaneous telangiectasia; Immunodeficiency with ataxia telangiectasia; Ataxia-telangiectasia, complementation group D; AT, COMPLEMENTATION GROUP C; Ataxia-telangiectasia, complementation group E; LOUIS-BAR SYNDROME. Identifiers: Orphanet 100, MedGen C0004135, MONDO:0008840, OMIM 208900.

Allele frequency attached by ClinVar (database versions not stated): gnomAD exomes below 0.00001.
gnomAD v4.1: 1 of 1,614,020 alleles (0.000062%); highest among the groups gnomAD compares: Non-Finnish European, 0.000085%; no homozygotes.

Submissions (4):

Labcorp Genetics (formerly Invitae), Labcorp
Classification: Uncertain significance for Ataxia-telangiectasia syndrome. Last evaluated: 2026-02-03. Review status: criteria provided, single submitter. Criteria: Invitae Variant Classification Sherloc (09022015). Collection method: clinical testing. Allele origin: germline.
Comment: This sequence change replaces glutamic acid, which is acidic and polar, with glycine, which is neutral and non-polar, at codon 1622 of the ATM protein (p.Glu1622Gly). This variant is not present in population databases (gnomAD no frequency). This variant has not been reported in the literature in individuals affected with ATM-related conditions. ClinVar contains an entry for this variant (Variation ID: 453541). Invitae Evidence Modeling of protein sequence and biophysical properties (such as structural, functional, and spatial information, amino acid conservation, physicochemical variation, residue mobility, and thermodynamic stability) indicates that this missense variant is not expected to disrupt ATM protein function with a negative predictive value of 95%. In summary, the available evidence is currently insufficient to determine the role of this variant in disease. Therefore, it has been classified as a Variant of Uncertain Significance.

Ambry Genetics
Classification: Uncertain significance for Hereditary cancer-predisposing syndrome. Last evaluated: 2025-11-13. Review status: criteria provided, single submitter. Criteria: Ambry Variant Classification Scheme 2023. Collection method: clinical testing. Allele origin: germline.
Comment: The p.E1622G variant (also known as c.4865A>G), located in coding exon 31 of the ATM gene, results from an A to G substitution at nucleotide position 4865. The glutamic acid at codon 1622 is replaced by glycine, an amino acid with similar properties. This amino acid position is not well conserved in available vertebrate species. In addition, this alteration is predicted to be tolerated by in silico analysis. Based on the available evidence, the clinical significance of this variant remains unclear.

Women's Health and Genetics/Laboratory Corporation of America, LabCorp
Classification: Uncertain significance. Last evaluated: 2025-02-23. Review status: criteria provided, single submitter. Criteria: LabCorp Variant Classification Summary - May 2015. Collection method: clinical testing. Allele origin: germline.

Quest Diagnostics Nichols Institute San Juan Capistrano
Classification: Uncertain significance. Last evaluated: 2023-11-21. Review status: criteria provided, single submitter. Criteria: Quest Diagnostics criteria. Collection method: clinical testing. Allele origin: unknown.